The following is an entry in ClinVar:

NM_018646.6(TRPV6):c.2139C>A (p.Phe713Leu)

Gene: TRPV6 (transient receptor potential cation channel subfamily V member 6; minus strand). Cytogenetic location: 7q34.
Variant type: single nucleotide variant.
Coding change: c.2139C>A on transcript NM_018646.6 (MANE Select); coding-DNA position 2139, C replaced by A.
Protein change: p.Phe713Leu; replaces phenylalanine 713 with leucine.
Molecular consequence: missense variant.
Genome position (GRCh38, 1-based): chr7:142,871,866, G>T on the plus strand (C>A on the coding strand, the complement: TRPV6 is on the minus strand). VCF-style: chr7-142871866-G-T. GRCh37 (hg19) VCF-style: chr7-142569619-G-T.
Other names: short protein forms F713L.
Identifiers: ClinVar variation 3811183 (VCV003811183.2).

ClinVar aggregate classification (germline): Uncertain significance. Review status: criteria provided, multiple submitters, no conflicts (2 of 4 stars). 2 submissions from 2 submitters: Uncertain significance (2). Last evaluated 2025-09-10.

Conditions:
Inborn genetic diseases. Identifiers: MedGen C0950123, MeSH D030342.

gnomAD v4.1: 7 of 1,614,210 alleles (0.00043%); highest among the groups gnomAD compares: Middle Eastern, 0.016%; no homozygotes.

Submissions (2):

Labcorp Genetics (formerly Invitae), Labcorp
Classification: Uncertain significance. Last evaluated: 2025-09-10. Review status: criteria provided, single submitter. Criteria: Invitae Variant Classification Sherloc (09022015). Collection method: clinical testing. Allele origin: germline.
Comment: This sequence change replaces phenylalanine, which is neutral and non-polar, with leucine, which is neutral and non-polar, at codon 713 of the TRPV6 protein (p.Phe713Leu). This variant is not present in population databases (gnomAD no frequency). This variant has not been reported in the literature in individuals affected with TRPV6-related conditions. ClinVar contains an entry for this variant (Variation ID: 3811183). An algorithm developed to predict the effect of missense changes on protein structure and function outputs the following: PolyPhen-2: "Not Available". The leucine amino acid residue is found in multiple mammalian species, which suggests that this missense change does not adversely affect protein function. In summary, the available evidence is currently insufficient to determine the role of this variant in disease. Therefore, it has been classified as a Variant of Uncertain Significance.

Ambry Genetics
Classification: Uncertain significance for Inborn genetic diseases. Last evaluated: 2024-12-28. Review status: criteria provided, single submitter. Criteria: Ambry Variant Classification Scheme 2023. Collection method: clinical testing. Allele origin: germline.